The following is an entry in ClinVar:

NM_000465.4(BARD1):c.164A>G (p.Asn55Ser)

Gene: BARD1 (BRCA1 associated RING domain 1; minus strand). Cytogenetic location: 2q35.
Variant type: single nucleotide variant.
Coding change: c.164A>G on transcript NM_000465.4 (MANE Select); coding-DNA position 164, A replaced by G.
Protein change: p.Asn55Ser; replaces asparagine 55 with serine.
Molecular consequence: missense variant. On other transcripts: non-coding transcript variant (2), intron variant (2).
Genome position (GRCh38, 1-based): chr2:214,797,112, T>C on the plus strand (A>G on the coding strand, the complement: BARD1 is on the minus strand). VCF-style: chr2-214797112-T-C. GRCh37 (hg19) VCF-style: chr2-215661836-T-C.
Other names: c.164A>G, p.Asn55Ser (NM_001282545.2, NM_001282549.2); c.158+12300A>G (NM_001282548.2); c.159-4667A>G (NM_001282543.2); short protein forms N55S.
Identifiers: ClinVar variation 628626 (VCV000628626.5), dbSNP rs1559441933, ClinGen allele CA350462326.

ClinVar aggregate classification (germline): Uncertain significance (1 of 4 stars; one submission).

Conditions:
Hereditary cancer-predisposing syndrome. Also called: Neoplastic Syndromes, Hereditary; Tumor predisposition; Hereditary neoplastic syndrome; Hereditary Cancer Syndrome. Identifiers: Orphanet 140162, MedGen C0027672, MeSH D009386, MONDO:0015356.

Submission:

Color Diagnostics, LLC DBA Color Health
Classification: Uncertain significance for Hereditary cancer-predisposing syndrome. Last evaluated: 2023-12-05. Review status: criteria provided, single submitter. Criteria: ACMG Guidelines, 2015. Collection method: clinical testing. Allele origin: germline.
Comment: This missense variant replaces asparagine with serine at codon 55 of the BARD1 protein. Computational prediction suggests that this variant may not impact protein structure and function (internally defined REVEL score threshold <= 0.5, PMID: 27666373). To our knowledge, functional studies have not been reported for this variant. This variant has not been reported in individuals affected with BARD1-related disorders in the literature. This variant has not been identified in the general population by the Genome Aggregation Database (gnomAD). The available evidence is insufficient to determine the role of this variant in disease conclusively. Therefore, this variant is classified as a Variant of Uncertain Significance.